The following is an entry in ClinVar:

NM_001039213.4(CEACAM16):c.364G>C (p.Gly122Arg)

Genes: CEACAM16 (CEA cell adhesion molecule 16, tectorial membrane component; plus strand), CEACAM16-AS1 (CEACAM16, CEACAM19 and PVR antisense RNA 1; minus strand). Cytogenetic location: 19q13.32.
Variant type: single nucleotide variant.
Coding change: c.364G>C on transcript NM_001039213.4 (MANE Select); coding-DNA position 364, G replaced by C.
Protein change: p.Gly122Arg; replaces glycine 122 with arginine.
Molecular consequence: missense variant.
Genome position (GRCh38, 1-based): chr19:44,703,675, G>C. VCF-style: chr19-44703675-G-C. GRCh37 (hg19) VCF-style: chr19-45206945-G-C.
Other names: short protein forms G122R.
Identifiers: ClinVar variation 3365524 (VCV003365524.1).

ClinVar aggregate classification (germline): Uncertain significance (1 of 4 stars; one submission).

gnomAD v4.1: 2 of 1,554,650 alleles (0.00013%); highest among the groups gnomAD compares: Admixed American, 0.0018%; no homozygotes.

Submission:

GeneDx
Classification: Uncertain significance. Last evaluated: 2023-12-13. Review status: criteria provided, single submitter. Criteria: GeneDx Variant Classification Process June 2021. Collection method: clinical testing. Allele origin: germline. Affected: yes.
Comment: In silico analysis supports that this missense variant has a deleterious effect on protein structure/function; Has not been previously published as pathogenic or benign to our knowledge